The following is an entry in ClinVar:

NM_000256.3(MYBPC3):c.309_321dup (p.Pro108fs)

Gene: MYBPC3 (myosin binding protein C3; minus strand). Cytogenetic location: 11p11.2.
Variant type: Duplication.
Coding change: c.309_321dup on transcript NM_000256.3 (MANE Select); coding-DNA positions 309 to 321, 13 bases duplicated (GCTGGCCCCTGCC).
Protein change: p.Pro108fs; shifts the reading frame from proline 108.
Molecular consequence: frameshift variant.
Genome position (GRCh38, 1-based): chr11:47,350,587-47,350,599, GGCAGGGGCCAGC duplicated on the plus strand (GCTGGCCCCTGCC on the coding strand, the reverse complement: MYBPC3 is on the minus strand). VCF-style (leftmost placement, unchanged base first): chr11-47350586-G-GGGCAGGGGCCAGC. GRCh37 (hg19) VCF-style: chr11-47372137-G-GGGCAGGGGCCAGC.
Other names: c.309_321dupGCTGGCCCCTGCC (NM_000256.3); short protein forms P108fs.
Identifiers: ClinVar variation 940607 (VCV000940607.10), dbSNP rs2095899755, ClinGen allele CA1139661947.

ClinVar aggregate classification (germline): Pathogenic. Review status: criteria provided, multiple submitters, no conflicts (2 of 4 stars). 2 submissions from 2 submitters: Pathogenic (2). Last evaluated 2019-05-16.

Conditions:
Hypertrophic cardiomyopathy. Also called: HYPERTROPHIC MYOCARDIOPATHY. Identifiers: Orphanet 217569, MedGen C0007194, MeSH D002312, MONDO:0005045, HP:0001639.
Hypertrophic cardiomyopathy 4. Also called: Familial hypertrophic cardiomyopathy 4. Identifiers: MedGen C1861862, MONDO:0007268, OMIM 115197.

Submissions (2):

Labcorp Genetics (formerly Invitae), Labcorp
Classification: Pathogenic for Hypertrophic cardiomyopathy. Last evaluated: 2019-05-16. Review status: criteria provided, single submitter. Criteria: Invitae Variant Classification Sherloc (09022015). Collection method: clinical testing. Allele origin: germline.
Comment: For these reasons, this variant has been classified as Pathogenic. Loss-of-function variants in MYBPC3 are known to be pathogenic (PMID: 19574547). This variant has been observed in several individuals affected with hypertrophic cardiomyopathy (PMID: 28029522). This variant is not present in population databases (ExAC no frequency). This sequence change creates a premature translational stop signal (p.Pro108Alafs*9) in the MYBPC3 gene. It is expected to result in an absent or disrupted protein product.

Clinical Genetics Service, Universitary Hospital 12 de Octubre
Classification: Pathogenic for Hypertrophic cardiomyopathy 4. Review status: criteria provided, single submitter. Criteria: ACMG Guidelines, 2015. Collection method: clinical testing. Allele origin: germline. Affected: yes.

Literature cited by the submitters: PubMed 19574547 (cited by Labcorp Genetics (formerly Invitae), Labcorp); PubMed 28029522 (cited by Labcorp Genetics (formerly Invitae), Labcorp).